The following is an entry in ClinVar:

NM_182493.3(MYLK3):c.241G>A (p.Val81Ile)

Gene: MYLK3 (myosin light chain kinase 3; minus strand). Cytogenetic location: 16q11.2.
Variant type: single nucleotide variant.
Coding change: c.241G>A on transcript NM_182493.3 (MANE Select); coding-DNA position 241, G replaced by A.
Protein change: p.Val81Ile; replaces valine 81 with isoleucine.
Molecular consequence: missense variant. On other transcripts: intron variant (1).
Genome position (GRCh38, 1-based): chr16:46,747,953, C>T on the plus strand (G>A on the coding strand, the complement: MYLK3 is on the minus strand). VCF-style: chr16-46747953-C-T. GRCh37 (hg19) VCF-style: chr16-46781865-C-T.
Other names: c.-113-7806G>A (NM_001308301.1); short protein forms V81I.
Identifiers: ClinVar variation 1513093 (VCV001513093.8), dbSNP rs2143017211, ClinGen allele CA395798264.

ClinVar aggregate classification (germline): Uncertain significance (1 of 4 stars; one submission).

Submission:

Labcorp Genetics (formerly Invitae), Labcorp
Classification: Uncertain significance. Last evaluated: 2021-02-23. Review status: criteria provided, single submitter. Criteria: Invitae Variant Classification Sherloc (09022015). Collection method: clinical testing. Allele origin: germline.
Comment: This sequence change replaces valine with isoleucine at codon 81 of the MYLK3 protein (p.Val81Ile). The valine residue is weakly conserved and there is a small physicochemical difference between valine and isoleucine. This variant is not present in population databases (ExAC no frequency). This variant has not been reported in the literature in individuals with MYLK3-related conditions. Algorithms developed to predict the effect of missense changes on protein structure and function (SIFT, PolyPhen-2, Align-GVGD) all suggest that this variant is likely to be tolerated, but these predictions have not been confirmed by published functional studies and their clinical significance is uncertain. In summary, the available evidence is currently insufficient to determine the role of this variant in disease. Therefore, it has been classified as a Variant of Uncertain Significance.